The following is an entry in ClinVar:

NM_015898.4(ZBTB7A):c.1183G>C (p.Gly395Arg)

Gene: ZBTB7A (zinc finger and BTB domain containing 7A; minus strand). Cytogenetic location: 19p13.3.
Variant type: single nucleotide variant.
Coding change: c.1183G>C on transcript NM_015898.4 (MANE Select); coding-DNA position 1183, G replaced by C.
Protein change: p.Gly395Arg; replaces glycine 395 with arginine.
Molecular consequence: missense variant.
Genome position (GRCh38, 1-based): chr19:4,054,050, C>G on the plus strand (G>C on the coding strand, the complement: ZBTB7A is on the minus strand). VCF-style: chr19-4054050-C-G. GRCh37 (hg19) VCF-style: chr19-4054048-C-G.
Other names: c.1183G>C, p.Gly395Arg (NM_001317990.2); short protein forms G395R.
Identifiers: ClinVar variation 1329745 (VCV001329745.2), dbSNP rs2144989619, ClinGen allele CA403362313.
Genomic context (GRCh38, chr19:4,054,050, plus strand): 5'-AGATGTTGCACTCGTAGGGCTTCTCGCCCGTGTGGGTGCGGATGTGTCGCGGCAGCTTGC[C>G]GGCGCCCTGGATGACCTTCTCGCAGATGGGGCACTTCTGGAAGGCCTTGGCTCGGATCTT-3'
Protein context (NP_056982.1, residues 385-405): PICEKVIQGA[Gly395Arg]KLPRHIRTHT

ClinVar aggregate classification (germline): Uncertain significance (1 of 4 stars; one submission).

Submission:

GeneDx
Classification: Uncertain significance. Last evaluated: 2019-10-29. Review status: criteria provided, single submitter. Criteria: GeneDx Variant Classification Process June 2021. Collection method: clinical testing. Allele origin: germline. Affected: yes.
Comment: Not observed in large population cohorts (Lek et al., 2016); In silico analysis, which includes protein predictors and evolutionary conservation, supports a deleterious effect; Has not been previously published as pathogenic or benign to our knowledge; Variants in candidate genes are classified as variants of uncertain significance in accordance with ACMG guidelines (Richards et al., 2015)